The following is an entry in ClinVar:

ClinVar aggregate classification (germline): Pathogenic (1 of 4 stars; one submission).

Conditions:
Ellis-van Creveld syndrome (EVC). Also called: Chondroectodermal dysplasia; EVC-Related Ellis-van Creveld Syndrome; EVC2-Related Ellis-van Creveld Syndrome; MESOECTODERMAL DYSPLASIA. Identifiers: Orphanet 289, MedGen C0013903, MONDO:0009162, OMIM 225500.
Curry-Hall syndrome (WAD). Also called: WEYERS ACRODENTAL DYSOSTOSIS. Identifiers: Orphanet 952, MedGen C0457013, MONDO:0008673, OMIM 193530.

Allele frequency attached by ClinVar (database versions not stated): gnomAD exomes below 0.00001.

Submission:

Labcorp Genetics (formerly Invitae), Labcorp
Classification: Pathogenic for Curry-Hall syndrome; Ellis-van Creveld syndrome. Last evaluated: 2025-10-11. Review status: criteria provided, single submitter. Criteria: Invitae Variant Classification Sherloc (09022015). Collection method: clinical testing. Allele origin: germline.
Comment: This sequence change creates a premature translational stop signal (p.Gln277*) in the EVC gene. It is expected to result in an absent or disrupted protein product. Loss-of-function variants in EVC are known to be pathogenic (PMID: 23220543). This variant is present in population databases (no rsID available, gnomAD 0.003%). This premature translational stop signal has been observed in individual(s) with Ellis-van Creveld syndrome (PMID: 23220543). ClinVar contains an entry for this variant (Variation ID: 935750). For these reasons, this variant has been classified as Pathogenic.

Literature cited by the submitters: PubMed 23220543.

NM_153717.3(EVC):c.829C>T (p.Gln277Ter)

Gene: EVC (EvC ciliary complex subunit 1; plus strand). Cytogenetic location: 4p16.2.
Variant type: single nucleotide variant.
Coding change: c.829C>T on transcript NM_153717.3 (MANE Select); coding-DNA position 829, C replaced by T.
Protein change: p.Gln277Ter; replaces glutamine 277 with a stop codon.
Molecular consequence: nonsense.
Genome position (GRCh38, 1-based): chr4:5,745,231, C>T. VCF-style: chr4-5745231-C-T. GRCh37 (hg19) VCF-style: chr4-5746958-C-T.
Other names: c.829C>T, p.Gln277Ter (NM_001306090.2, NM_001306092.2); short protein forms Q277*.
Identifiers: ClinVar variation 935750 (VCV000935750.10), dbSNP rs1251648799, ClinGen allele CA356149102.